The following is an entry in ClinVar:

NM_018292.5(QRSL1):c.798C>A (p.Phe266Leu)

Gene: QRSL1 (glutaminyl-tRNA amidotransferase subunit QRSL1; plus strand). Cytogenetic location: 6q21.
Variant type: single nucleotide variant.
Coding change: c.798C>A on transcript NM_018292.5 (MANE Select); coding-DNA position 798, C replaced by A.
Protein change: p.Phe266Leu; replaces phenylalanine 266 with leucine.
Molecular consequence: missense variant.
Genome position (GRCh38, 1-based): chr6:106,652,531, C>A. VCF-style: chr6-106652531-C-A. GRCh37 (hg19) VCF-style: chr6-107100406-C-A.
Other names: short protein forms F266L.
Identifiers: ClinVar variation 1916391 (VCV001916391.5), dbSNP rs746018325, ClinGen allele CA3944859.

ClinVar aggregate classification (germline): Uncertain significance (1 of 4 stars; one submission).

Allele frequency attached by ClinVar (database versions not stated): gnomAD exomes 0.00001; TOPMed 0.00001.
gnomAD v4.1: 8 of 1,614,212 alleles (0.0005%); highest among the groups gnomAD compares: Admixed American, 0.013%; no homozygotes.

Submission:

Labcorp Genetics (formerly Invitae), Labcorp
Classification: Uncertain significance. Last evaluated: 2022-03-20. Review status: criteria provided, single submitter. Criteria: Invitae Variant Classification Sherloc (09022015). Collection method: clinical testing. Allele origin: germline.
Comment: In summary, the available evidence is currently insufficient to determine the role of this variant in disease. Therefore, it has been classified as a Variant of Uncertain Significance. Algorithms developed to predict the effect of missense changes on protein structure and function output the following: SIFT: "Tolerated"; PolyPhen-2: "Benign"; Align-GVGD: "Class C0". The leucine amino acid residue is found in multiple mammalian species, which suggests that this missense change does not adversely affect protein function. This sequence change replaces phenylalanine, which is neutral and non-polar, with leucine, which is neutral and non-polar, at codon 266 of the QRSL1 protein (p.Phe266Leu). This variant is present in population databases (rs746018325, gnomAD 0.02%). This variant has not been reported in the literature in individuals affected with QRSL1-related conditions.